The following is an entry in ClinVar:

NM_133433.4(NIPBL):c.1979A>G (p.Glu660Gly)

Gene: NIPBL (NIPBL cohesin loading factor; plus strand). Cytogenetic location: 5p13.2.
Variant type: single nucleotide variant.
Coding change: c.1979A>G on transcript NM_133433.4 (MANE Select); coding-DNA position 1979, A replaced by G.
Protein change: p.Glu660Gly; replaces glutamic acid 660 with glycine.
Molecular consequence: missense variant.
Genome position (GRCh38, 1-based): chr5:36,985,159, A>G. VCF-style: chr5-36985159-A-G. GRCh37 (hg19) VCF-style: chr5-36985261-A-G.
Other names: c.1979A>G, p.Glu660Gly (NM_015384.5); short protein forms E660G.
Identifiers: ClinVar variation 378274 (VCV000378274.4), dbSNP rs867081982, ClinGen allele CA16604902.
Genomic context (GRCh38, chr5:36,985,159, plus strand): 5'-TAGAAACTAAAGTTGAGACCCAAACAGAAGAACTTAAACAGAATGAGAGCAGAACAACTG[A>G]ATGCAAACAAAACGAGAGCACCATAGTTGAGCCTAAACAAAATGAAAATAGACTGTCTGA-3'
Protein context (NP_597677.2, residues 650-670): ELKQNESRTT[Glu660Gly]CKQNESTIVE

ClinVar aggregate classification (germline): Uncertain significance. Review status: criteria provided, multiple submitters, no conflicts (2 of 4 stars). 3 submissions from 3 submitters: Uncertain significance (3). Last evaluated 2024-11-19.

Conditions:
Cornelia de Lange syndrome 1 (CDLS1). Also called: NIPBL-Related Cornelia de Lange Syndrome; Brachmann de Lange syndrome; TYPUS DEGENERATIVUS AMSTELODAMENSIS. Identifiers: Orphanet 199, MedGen C4551851, MONDO:0007387, OMIM 122470.

Allele frequency attached by ClinVar (database versions not stated): gnomAD 0.00001; gnomAD exomes 0.00001 and 0.00005; TOPMed 0.00001.
gnomAD v4.1: 66 of 1,613,972 alleles (0.0041%); highest among the groups gnomAD compares: Middle Eastern, 0.54%; 1 homozygote.

Submissions (3):

Labcorp Genetics (formerly Invitae), Labcorp
Classification: Uncertain significance for Cornelia de Lange syndrome 1. Last evaluated: 2024-11-19. Review status: criteria provided, single submitter. Criteria: Invitae Variant Classification Sherloc (09022015). Collection method: clinical testing. Allele origin: germline.
Comment: This sequence change replaces glutamic acid, which is acidic and polar, with glycine, which is neutral and non-polar, at codon 660 of the NIPBL protein (p.Glu660Gly). This variant is present in population databases (no rsID available, gnomAD 0.003%). This variant has not been reported in the literature in individuals affected with NIPBL-related conditions. ClinVar contains an entry for this variant (Variation ID: 378274). Invitae Evidence Modeling of protein sequence and biophysical properties (such as structural, functional, and spatial information, amino acid conservation, physicochemical variation, residue mobility, and thermodynamic stability) indicates that this missense variant is not expected to disrupt NIPBL protein function with a negative predictive value of 95%. In summary, the available evidence is currently insufficient to determine the role of this variant in disease. Therefore, it has been classified as a Variant of Uncertain Significance.

GeneDx
Classification: Uncertain significance. Last evaluated: 2016-02-16. Review status: criteria provided, single submitter. Criteria: GeneDx Variant Classification (06012015). Collection method: clinical testing. Allele origin: germline. Affected: yes.
Comment: The E660G variant in the NIPBL gene has not been reported previously as a pathogenic variant, nor as a benign variant, to our knowledge. The E660G variant was not observed in approximately 6500 individuals of European and African American ancestry in the NHLBI Exome Sequencing Project, indicating it is not a common benign variant in these populations. This substitution occurs at a position that is conserved across mammalian species. The E660G variant is also a non-conservative amino acid substitution, which is likely to impact secondary protein structure as these residues differ in polarity, charge, size and/or other properties. However, in silico analysis is inconsistent in its predictions as to whether or not the variant is damaging to the protein structure/function. We interpret E660G as a variant of uncertain significance.

Breakthrough Genomics
Classification: Uncertain significance. Review status: criteria provided, single submitter. Criteria: ACMG Guidelines, 2015. Collection method: not provided. Allele origin: germline. Inheritance: Autosomal dominant inheritance. Affected: yes.